The following is an entry in ClinVar:

ClinVar aggregate classification (germline): Likely pathogenic (1 of 4 stars; one submission).

Conditions:
Aniridia 1 (AN1). Identifiers: Orphanet 250923, MedGen C0344542, MONDO:0024507, OMIM 106210.
Irido-corneo-trabecular dysgenesis (ASGD5). Also called: ANTERIOR SEGMENT DYSGENESIS 5. Identifiers: Orphanet 708, MedGen C0344559, MONDO:0011414, OMIM 604229, HP:0000659.

Allele frequency attached by ClinVar (database versions not stated): gnomAD exomes below 0.00001.
gnomAD v4.1: 1 of 1,614,040 alleles (0.000062%); highest among the groups gnomAD compares: Non-Finnish European, 0.000085%; no homozygotes.

Submission:

Labcorp Genetics (formerly Invitae), Labcorp
Classification: Likely pathogenic for Aniridia 1; Irido-corneo-trabecular dysgenesis. Last evaluated: 2022-07-06. Review status: criteria provided, single submitter. Criteria: Invitae Variant Classification Sherloc (09022015). Collection method: clinical testing. Allele origin: germline.
Comment: In summary, the currently available evidence indicates that the variant is pathogenic, but additional data are needed to prove that conclusively. Therefore, this variant has been classified as Likely Pathogenic. This variant disrupts the p.Pro76 amino acid residue in PAX6. Other variant(s) that disrupt this residue have been determined to be pathogenic (PMID: 23942204). This suggests that this residue is clinically significant, and that variants that disrupt this residue are likely to be disease-causing. Advanced modeling of protein sequence and biophysical properties (such as structural, functional, and spatial information, amino acid conservation, physicochemical variation, residue mobility, and thermodynamic stability) performed at Invitae indicates that this missense variant is expected to disrupt PAX6 protein function. ClinVar contains an entry for this variant (Variation ID: 1467673). This missense change has been observed in individual(s) with cone-rod dystrophy (PMID: 28559085). This variant is not present in population databases (gnomAD no frequency). This sequence change replaces proline, which is neutral and non-polar, with leucine, which is neutral and non-polar, at codon 76 of the PAX6 protein (p.Pro76Leu).

Literature cited by the submitters: PubMed 23942204; PubMed 28559085.

NM_001368894.2(PAX6):c.269C>T (p.Pro90Leu)

Gene: PAX6 (paired box 6; minus strand). Cytogenetic location: 11p13.
Variant type: single nucleotide variant.
Coding change: c.269C>T on transcript NM_001368894.2 (MANE Select); coding-DNA position 269, C replaced by T.
Protein change: p.Pro90Leu; replaces proline 90 with leucine.
Molecular consequence: missense variant. On other transcripts: intron variant (8), 5 prime UTR variant (14), non-coding transcript variant (2).
Genome position (GRCh38, 1-based): chr11:31,801,691, G>A on the plus strand (C>T on the coding strand, the complement: PAX6 is on the minus strand). VCF-style: chr11-31801691-G-A. GRCh37 (hg19) VCF-style: chr11-31823239-G-A.
Other names: c.156+71C>T (NM_001368928.2); c.198+71C>T (NM_001368925.2, NM_001368924.2, NM_001368921.2 and 4 more transcripts); c.227C>T, p.Pro76Leu (NM_000280.6, NM_001127612.3, NM_001258464.2 and 10 more transcripts); c.269C>T, p.Pro90Leu (NM_001258462.3, NM_001258463.2, NM_001310158.2 and 6 more transcripts); c.-513C>T (NM_001310160.2, NM_001368902.2, NM_001368905.2); c.-182C>T (NM_001310161.3, NM_001368899.2, NM_001368900.2 and 8 more transcripts); c.470C>T, p.Pro157Leu (NM_001368910.2); c.272C>T, p.Pro91Leu (NM_001368911.2); and 2 more; short protein forms P115L, P101L, P76L, P157L, P91L, P90L.
Identifiers: ClinVar variation 1467673 (VCV001467673.6), dbSNP rs2135096558, ClinGen allele CA379958806.